The following is an entry in ClinVar:

ClinVar aggregate classification (germline): Uncertain significance. Review status: criteria provided, multiple submitters, no conflicts (2 of 4 stars). 2 submissions from 2 submitters: Uncertain significance (2). Last evaluated 2021-09-24.

Conditions:
Spastic paraplegia. Identifiers: MedGen C0037772, HP:0001258.

Allele frequency attached by ClinVar (database versions not stated): gnomAD exomes below 0.00001 and 0.00001; gnomAD 0.00001; TOPMed 0.00001.

Submissions (2):

Labcorp Genetics (formerly Invitae), Labcorp
Classification: Uncertain significance for Spastic paraplegia. Last evaluated: 2021-09-24. Review status: criteria provided, single submitter. Criteria: Invitae Variant Classification Sherloc (09022015). Collection method: clinical testing. Allele origin: germline.
Comment: This sequence change replaces arginine with tryptophan at codon 397 of the B4GALNT1 protein (p.Arg397Trp). The arginine residue is highly conserved and there is a moderate physicochemical difference between arginine and tryptophan. This variant is not present in population databases (ExAC no frequency). This variant has not been reported in the literature in individuals affected with B4GALNT1-related conditions. ClinVar contains an entry for this variant (Variation ID: 1163938). Algorithms developed to predict the effect of missense changes on protein structure and function (SIFT, PolyPhen-2, Align-GVGD) all suggest that this variant is likely to be disruptive. In summary, the available evidence is currently insufficient to determine the role of this variant in disease. Therefore, it has been classified as a Variant of Uncertain Significance.

Mayo Clinic Laboratories, Mayo Clinic
Classification: Uncertain significance. Last evaluated: 2020-02-28. Review status: criteria provided, single submitter. Criteria: ACMG Guidelines, 2015. Collection method: clinical testing. Allele origin: germline. Observed: 1 variant allele.

NM_001478.5(B4GALNT1):c.1189C>T (p.Arg397Trp)

Gene: B4GALNT1 (beta-1,4-N-acetyl-galactosaminyltransferase 1; minus strand). Cytogenetic location: 12q13.3.
Variant type: single nucleotide variant.
Coding change: c.1189C>T on transcript NM_001478.5 (MANE Select); coding-DNA position 1189, C replaced by T.
Protein change: p.Arg397Trp; replaces arginine 397 with tryptophan.
Molecular consequence: missense variant.
Genome position (GRCh38, 1-based): chr12:57,627,813, G>A on the plus strand (C>T on the coding strand, the complement: B4GALNT1 is on the minus strand). VCF-style: chr12-57627813-G-A. GRCh37 (hg19) VCF-style: chr12-58021596-G-A.
Other names: c.1024C>T, p.Arg342Trp (NM_001276468.2); short protein forms R342W, R397W.
Identifiers: ClinVar variation 1163938 (VCV001163938.12), dbSNP rs1366537672, ClinGen allele CA385495010.
Genomic context (GRCh38, chr12:57,627,813, plus strand): 5'-GCCTTTGCCGGAGGCAGTTCCCGAGGCCTGGGGCGCCGGGCTCCACGCTCAGCAGCTGCC[G>A]ATAAGTGGTGGCAAAGCCGGAGATCTCGCGCACCGCGCCCCCCACCTGCAGGGAGAGGGA-3'
Protein context (NP_001469.1, residues 387-407): REISGFATTY[Arg397Trp]QLLSVEPGAP